The following is an entry in ClinVar:

NM_016169.4(SUFU):c.943G>A (p.Gly315Arg)

Gene: SUFU (SUFU negative regulator of hedgehog signaling; plus strand). Cytogenetic location: 10q24.32.
Variant type: single nucleotide variant.
Coding change: c.943G>A on transcript NM_016169.4 (MANE Select); coding-DNA position 943, G replaced by A.
Protein change: p.Gly315Arg; replaces glycine 315 with arginine.
Molecular consequence: missense variant.
Genome position (GRCh38, 1-based): chr10:102,599,465, G>A. VCF-style: chr10-102599465-G-A. GRCh37 (hg19) VCF-style: chr10-104359222-G-A.
Other names: c.943G>A, p.Gly315Arg (NM_001178133.2); short protein forms G315R.
Identifiers: ClinVar variation 1039020 (VCV001039020.14), dbSNP rs141737156, ClinGen allele CA5667823.

ClinVar aggregate classification (germline): Conflicting classifications of pathogenicity. Review status: criteria provided, conflicting classifications (1 of 4 stars). 4 submissions from 4 submitters: Uncertain significance (3); Likely benign (1). Last evaluated 2024-10-22.

Conditions:
Hereditary cancer-predisposing syndrome. Also called: Neoplastic Syndromes, Hereditary; Hereditary Cancer Syndrome; Tumor predisposition; Hereditary neoplastic syndrome. Identifiers: Orphanet 140162, MedGen C0027672, MeSH D009386, MONDO:0015356.
Gorlin syndrome. Also called: Basal cell nevus syndrome; Nevoid Basal Cell Carcinoma Syndrome. Identifiers: Orphanet 377, MedGen C0004779, MONDO:0007187.
Medulloblastoma (MDB). Also called: Medulloblastoma, somatic; MEDULLOBLASTOMA PREDISPOSITION SYNDROME. Identifiers: Orphanet 616, MedGen C0025149, MeSH D008527, MONDO:0007959, OMIM 155255, HP:0002885.
Familial meningioma. Also called: Meningioma, familial, susceptibility to. Identifiers: Orphanet 263662, MedGen C3551915, MONDO:0011789, OMIM 607174.

Allele frequency attached by ClinVar (database versions not stated): gnomAD exomes below 0.00001 and 0.00001; gnomAD 0.00001; ExAC 0.00002; TOPMed 0.00002; 1000 Genomes Project 30x 0.00016; 1000 Genomes Project 0.00020.
gnomAD v4.1: 6 of 1,614,160 alleles (0.00037%); highest among the groups gnomAD compares: African/African-American, 0.008%; no homozygotes.

Submissions (4):

Labcorp Genetics (formerly Invitae), Labcorp
Classification: Uncertain significance for Gorlin syndrome; Medulloblastoma. Last evaluated: 2024-10-22. Review status: criteria provided, single submitter. Criteria: Invitae Variant Classification Sherloc (09022015). Collection method: clinical testing. Allele origin: germline.
Comment: This sequence change replaces glycine, which is neutral and non-polar, with arginine, which is basic and polar, at codon 315 of the SUFU protein (p.Gly315Arg). This variant is present in population databases (rs141737156, gnomAD 0.02%). This variant has not been reported in the literature in individuals affected with SUFU-related conditions. ClinVar contains an entry for this variant (Variation ID: 1039020). Invitae Evidence Modeling of protein sequence and biophysical properties (such as structural, functional, and spatial information, amino acid conservation, physicochemical variation, residue mobility, and thermodynamic stability) indicates that this missense variant is not expected to disrupt SUFU protein function with a negative predictive value of 80%. In summary, the available evidence is currently insufficient to determine the role of this variant in disease. Therefore, it has been classified as a Variant of Uncertain Significance.

Quest Diagnostics Nichols Institute San Juan Capistrano
Classification: Uncertain significance. Last evaluated: 2023-12-26. Review status: criteria provided, single submitter. Criteria: Quest Diagnostics criteria. Collection method: clinical testing. Allele origin: unknown.
Comment: The SUFU c.943G>A (p.Gly315Arg) variant has not been reported in individuals with SUFU-related conditions in the published literature. The frequency of this variant in the general population, 0.000008 (2/251444 chromosomes (Genome Aggregation Database)), is uninformative in the assessment of its pathogenicity. Analysis of this variant using bioinformatics tools for the prediction of the effect of amino acid changes on protein structure and function yielded predictions that this variant is damaging. Based on the available information, we are unable to determine the clinical significance of this variant.

Baylor Genetics
Classification: Uncertain significance for Familial meningioma. Last evaluated: 2023-06-12. Review status: criteria provided, single submitter. Criteria: ACMG Guidelines, 2015. Collection method: clinical testing. Allele origin: unknown.

Ambry Genetics
Classification: Likely benign for Hereditary cancer-predisposing syndrome. Last evaluated: 2023-03-23. Review status: criteria provided, single submitter. Criteria: Ambry Variant Classification Scheme 2023. Collection method: clinical testing. Allele origin: germline.